The following is an entry in ClinVar:

NM_001323289.2(CDKL5):c.2153-6A>C

Gene: CDKL5 (cyclin dependent kinase like 5; plus strand). Cytogenetic location: Xp22.13.
Variant type: single nucleotide variant.
Coding change: c.2153-6A>C on transcript NM_001323289.2 (MANE Select); 6 bases into the intron before coding-DNA position 2153, A replaced by C.
Molecular consequence: intron variant.
Genome position (GRCh38, 1-based): chrX:18,613,146, A>C. VCF-style: chrX-18613146-A-C. GRCh37 (hg19) VCF-style: chrX-18631266-A-C.
Other names: c.2153-6A>C (NM_003159.3, NM_001037343.2).
Identifiers: ClinVar variation 3349963 (VCV003349963.2).

ClinVar aggregate classification (germline): Likely benign. Review status: criteria provided, single submitter (1 of 4 stars). 2 submissions from 2 submitters: Likely benign (1). 1 of the submissions does not count toward it. Last evaluated 2025-02-23.

Conditions:
CDKL5-related disorder.
Angelman syndrome-like. Identifiers: MedGen CN128785.
Developmental and epileptic encephalopathy, 2 (DEE2). Also called: INFANTILE SPASM SYNDROME, X-LINKED 2; CDKL5 deficiency disorder. Identifiers: Orphanet 1934, Orphanet 3451, Orphanet 505652, MedGen C4750718, MONDO:0010396, OMIM 300672.

Submissions (2):

Labcorp Genetics (formerly Invitae), Labcorp
Classification: Likely benign for Developmental and epileptic encephalopathy, 2; Angelman syndrome-like. Last evaluated: 2025-02-23. Review status: criteria provided, single submitter. Criteria: Invitae Variant Classification Sherloc (09022015). Collection method: clinical testing. Allele origin: germline.

PreventionGenetics, part of Exact Sciences
Classification: Likely benign for CDKL5-related condition. Last evaluated: 2024-05-23. Review status: no assertion criteria provided. Collection method: clinical testing. Allele origin: germline. Not counted in ClinVar's aggregate classification.
Comment: This variant is classified as likely benign based on ACMG/AMP sequence variant interpretation guidelines (Richards et al. 2015 PMID: 25741868, with internal and published modifications).